The following is an entry in ClinVar:

NM_144508.5(KNL1):c.3599C>T (p.Ser1200Phe)

Gene: KNL1 (kinetochore scaffold 1; plus strand). Cytogenetic location: 15q15.1.
Variant type: single nucleotide variant.
Coding change: c.3599C>T on transcript NM_144508.5 (MANE Select); coding-DNA position 3599, C replaced by T.
Protein change: p.Ser1200Phe; replaces serine 1200 with phenylalanine.
Molecular consequence: missense variant.
Genome position (GRCh38, 1-based): chr15:40,623,863, C>T. VCF-style: chr15-40623863-C-T. GRCh37 (hg19) VCF-style: chr15-40916061-C-T.
Other names: c.3677C>T, p.Ser1226Phe (NM_170589.5); short protein forms S1200F, S1226F.
Identifiers: ClinVar variation 1314233 (VCV001314233.2), dbSNP rs2141724066, ClinGen allele CA391752243.

ClinVar aggregate classification (germline): Uncertain significance (1 of 4 stars; one submission).

gnomAD v4.1: 1 of 1,613,618 alleles (0.000062%); highest among the groups gnomAD compares: Non-Finnish European, 0.000085%; no homozygotes.

Submission:

GeneDx
Classification: Uncertain significance. Last evaluated: 2021-04-14. Review status: criteria provided, single submitter. Criteria: GeneDx Variant Classification Process June 2021. Collection method: clinical testing. Allele origin: germline. Affected: yes.
Comment: Not observed in large population cohorts (Lek et al., 2016); In silico analysis supports that this missense variant does not alter protein structure/function; Has not been previously published as pathogenic or benign to our knowledge